The following is an entry in ClinVar:

ClinVar aggregate classification (germline): Uncertain significance. Review status: criteria provided, multiple submitters, no conflicts (2 of 4 stars). 3 submissions from 3 submitters: Uncertain significance (3). Last evaluated 2026-03-02.

Submissions (3):

GeneDx
Classification: Uncertain significance. Last evaluated: 2026-03-02. Review status: criteria provided, single submitter. Criteria: GeneDx Variant Classification Process June 2021. Collection method: clinical testing. Allele origin: germline.
Comment: In-frame deletion of 1 amino acid(s) in a non-repeat region; In silico analysis supports a deleterious effect on protein structure/function; This variant is associated with the following publications: (PMID: 32445700)

Labcorp Genetics (formerly Invitae), Labcorp
Classification: Uncertain significance. Last evaluated: 2025-08-25. Review status: criteria provided, single submitter. Criteria: Invitae Variant Classification Sherloc (09022015). Collection method: clinical testing. Allele origin: germline.
Comment: This variant, c.227_229del, results in the deletion of 1 amino acid(s) of the PITPNM3 protein (p.Gly76del), but otherwise preserves the integrity of the reading frame. This variant is present in population databases (rs773216685, gnomAD 0.01%). This variant has been observed in individual(s) with clinical features of autosomal dominant cone-rod dystrophy (internal data). ClinVar contains an entry for this variant (Variation ID: 970560). Experimental studies and prediction algorithms are not available or were not evaluated, and the functional significance of this variant is currently unknown. Algorithms developed to predict the effect of sequence changes on RNA splicing suggest that this variant may disrupt the consensus splice site. In summary, the available evidence is currently insufficient to determine the role of this variant in disease. Therefore, it has been classified as a Variant of Uncertain Significance.

Blueprint Genetics
Classification: Uncertain significance. Last evaluated: 2021-07-15. Review status: criteria provided, single submitter. Criteria: ACMG Guidelines, 2015. Collection method: clinical testing. Allele origin: germline.

NM_031220.3(PITPNM3):c.227_229del

Gene: PITPNM3 (PITPNM family member 3; minus strand). Cytogenetic location: 17p13.1.
Variant type: Deletion.
Coding change: c.227_229del on transcript NM_031220.3; coding-DNA positions 227 to 229, 3 bases deleted (GAG; older notation c.227_229delGAG).
Genome position (GRCh38, 1-based): chr17:6,503,572-6,503,574, CTC deleted on the plus strand (GAG on the coding strand, the reverse complement: PITPNM3 is on the minus strand); deleting any 3 consecutive bases within chr17:6,503,572-6,503,576 gives the same sequence; the c. name uses the placement nearest the transcript's 3' end. VCF-style (leftmost placement, unchanged base first): chr17-6503571-TCTC-T. GRCh37 (hg19) VCF-style: chr17-6406891-TCTC-T.
Identifiers: ClinVar variation 970560 (VCV000970560.14), dbSNP rs773216685, ClinGen allele CA8329906.